The following is an entry in ClinVar:

ClinVar aggregate classification (germline): Uncertain significance (1 of 4 stars; one submission).

Allele frequency attached by ClinVar (database versions not stated): gnomAD exomes below 0.00001.
gnomAD v4.1: 2 of 1,614,160 alleles (0.00012%); highest among the groups gnomAD compares: Non-Finnish European, 0.00017%; no homozygotes.

Submission:

GeneDx
Classification: Uncertain significance. Last evaluated: 2016-11-29. Review status: criteria provided, single submitter. Criteria: GeneDx Variant Classification (06012015). Collection method: clinical testing. Allele origin: germline. Affected: yes.
Comment: The D3581N variant in the ANK3 gene has not been reported previously as a pathogenic variant, nor as a benign variant, to our knowledge. This variant was not observed in approximately 6,500 individuals of European and African American ancestry in the NHLBI Exome Sequencing Project, indicating it is not a common benign variant in these populations. The D3581N variant is a semi-conservative amino acid substitution, which may impact secondary protein structure as these residues differ in some properties. This substitution occurs at a position that is conserved across species, and in silico analysis predicts this variant is probably damaging to the protein structure/function. Based on currently available evidence, we interpret D3581N as a variant of uncertain significance.

NM_020987.5(ANK3):c.10741G>A (p.Asp3581Asn)

Gene: ANK3 (ankyrin 3; minus strand). Cytogenetic location: 10q21.2.
Variant type: single nucleotide variant.
Coding change: c.10741G>A on transcript NM_020987.5 (MANE Select); coding-DNA position 10741, G replaced by A.
Protein change: p.Asp3581Asn; replaces aspartic acid 3581 with asparagine.
Molecular consequence: missense variant. On other transcripts: intron variant (4).
Genome position (GRCh38, 1-based): chr10:60,070,140, C>T on the plus strand (G>A on the coding strand, the complement: ANK3 is on the minus strand). VCF-style: chr10-60070140-C-T. GRCh37 (hg19) VCF-style: chr10-61829898-C-T.
Other names: c.4388-2131G>A (NM_001204403.2); c.4409-2131G>A (NM_001204404.2); c.4406-2131G>A (NM_001320874.2); c.1808-2131G>A (NM_001149.4); short protein forms D3581N.
Identifiers: ClinVar variation 373163 (VCV000373163.1), dbSNP rs1057518261, ClinGen allele CA16042798.
Genomic context (GRCh38, chr10:60,070,140, plus strand): 5'-AGGGGTTAGGCTCACTAGTTGGGGTACTTTCATCAGTTGGCGTTCTGGCTGGCGTTGTAT[C>T]AGGGGTTGTTGCTGGAGAGCGGTCTTCTACCGCCAGCCCAAATGGCTTAGTTTCATCTTC-3'
Protein context (NP_066267.2, residues 3571-3591): VEDRSPATTP[Asp3581Asn]TTPARTPTDE